The following is an entry in ClinVar:

ClinVar aggregate classification (germline): Likely benign. Review status: criteria provided, multiple submitters, no conflicts (2 of 4 stars). 4 submissions from 4 submitters: Likely benign (4). Last evaluated 2025-12-14.

Conditions:
HYPERHOMOCYSTEINEMIA, THROMBOTIC, CBS-RELATED. Identifiers: MedGen C3150344, OMIM 236200.
Familial thoracic aortic aneurysm and aortic dissection (TAAD). Also called: Thoracic aortic aneurysms and dissections. Identifiers: Orphanet 91387, MedGen C4707243, MONDO:0019625.

Allele frequency attached by ClinVar (database versions not stated): ExAC 0.00002; gnomAD exomes 0.00002.

Submissions (4):

Labcorp Genetics (formerly Invitae), Labcorp
Classification: Likely benign for HYPERHOMOCYSTEINEMIA, THROMBOTIC, CBS-RELATED. Last evaluated: 2025-12-14. Review status: criteria provided, single submitter. Criteria: Invitae Variant Classification Sherloc (09022015). Collection method: clinical testing. Allele origin: germline.

CeGaT Center for Human Genetics Tuebingen
Classification: Likely benign. Last evaluated: 2024-09-01. Review status: criteria provided, single submitter. Criteria: CeGaT Center For Human Genetics Tuebingen Variant Classification Criteria Version 2. Collection method: clinical testing. Allele origin: germline. Affected: yes. Observed: 1 variant allele.
Comment: CBS: PM2:Supporting, BP4, BP7

Ambry Genetics
Classification: Likely benign for Familial thoracic aortic aneurysm and aortic dissection. Last evaluated: 2024-03-24. Review status: criteria provided, single submitter. Criteria: Ambry Variant Classification Scheme 2023. Collection method: clinical testing. Allele origin: germline.

GeneDx
Classification: Likely benign. Last evaluated: 2017-07-04. Review status: criteria provided, single submitter. Criteria: GeneDx Variant Classification (06012015). Collection method: clinical testing. Allele origin: germline. Affected: yes.
Comment: This variant is considered likely benign or benign based on one or more of the following criteria: it is a conservative change, it occurs at a poorly conserved position in the protein, it is predicted to be benign by multiple in silico algorithms, and/or has population frequency not consistent with disease.

NM_000071.3(CBS):c.183C>T (p.Ser61=)

Gene: CBS (cystathionine beta-synthase; minus strand). Cytogenetic location: 21q22.3.
Variant type: single nucleotide variant.
Coding change: c.183C>T on transcript NM_000071.3 (MANE Select); coding-DNA position 183, C replaced by T.
Protein change: p.Ser61=; no amino-acid change (serine 61 retained).
Molecular consequence: synonymous variant.
Genome position (GRCh38, 1-based): chr21:43,072,011, G>A on the plus strand (C>T on the coding strand, the complement: CBS is on the minus strand). VCF-style: chr21-43072011-G-A. GRCh37 (hg19) VCF-style: chr21-44492121-G-A.
Other names: c.183C>T, p.Ser61= (NM_001178008.3, NM_001178009.3, NM_001320298.2).
Identifiers: ClinVar variation 510601 (VCV000510601.28), dbSNP rs753906914, ClinGen allele CA321103770.